The following is an entry in ClinVar:

ClinVar aggregate classification (germline): Pathogenic. Review status: reviewed by expert panel (3 of 4 stars). 29 submissions from 28 submitters: Pathogenic (1). 28 of the submissions do not count toward it. Last evaluated 2016-09-08.

Conditions:
BRCA1-related cancer predisposition. Identifiers: MedGen CN377757, MONDO:0700268.
Hereditary cancer-predisposing syndrome. Also called: Neoplastic Syndromes, Hereditary; Tumor predisposition; Hereditary neoplastic syndrome; Hereditary Cancer Syndrome. Identifiers: Orphanet 140162, MedGen C0027672, MeSH D009386, MONDO:0015356.
Hereditary breast ovarian cancer syndrome. Also called: Breast and ovarian cancer; Hereditary breast and/or ovarian cancer syndrome; Hereditary breast and ovarian cancer syndrome (HBOC); Hereditary breast and ovarian cancer; Hereditary breast and ovarian cancer syndrome; BRCA1- and BRCA2-Associated Hereditary Breast and Ovarian Cancer. Identifiers: Orphanet 145, MedGen C0677776, MeSH D061325, MONDO:0003582. Disease mechanism: loss of function.
Breast-ovarian cancer, familial, susceptibility to, 1 (BROVCA1). Also called: BRCA1 Hereditary Breast and Ovarian Cancer; OVARIAN CANCER, SUSCEPTIBILITY TO. Identifiers: Orphanet 145, MedGen C2676676, MONDO:0011450, OMIM 604370. Disease mechanism: loss of function.
Familial cancer of breast. Also called: Hereditary breast cancer; hereditary breast carcinoma; BREAST CANCER, FAMILIAL. Identifiers: Orphanet 227535, MedGen C0346153, MONDO:0016419, OMIM 114480. Disease mechanism: loss of function.

gnomAD v4.1: 4 of 1,614,150 alleles (0.00025%); highest among the groups gnomAD compares: Non-Finnish European, 0.00034%; no homozygotes.

Submissions 1 to 6 of 29:

Evidence-based Network for the Interpretation of Germline Mutant Alleles (ENIGMA)
Classification: Pathogenic for Breast-ovarian cancer, familial, susceptibility to, 1. Last evaluated: 2016-09-08. Review status: reviewed by expert panel. Criteria: ENIGMA BRCA1/2 Classification Criteria (2015). Collection method: curation. Allele origin: germline.
Comment: Variant allele predicted to encode a truncated non-functional protein.

Labcorp Genetics (formerly Invitae), Labcorp
Classification: Pathogenic for Hereditary breast ovarian cancer syndrome. Last evaluated: 2026-01-31. Review status: criteria provided, single submitter. Criteria: Invitae Variant Classification Sherloc (09022015). Collection method: clinical testing. Allele origin: germline. Not counted in ClinVar's aggregate classification.
Comment: This sequence change creates a premature translational stop signal (p.Glu1250*) in the BRCA1 gene. It is expected to result in an absent or disrupted protein product. Loss-of-function variants in BRCA1 are known to be pathogenic (PMID: 20104584). This variant is present in population databases (rs28897686, gnomAD 0.002%). This premature translational stop signal has been observed in individual(s) with breast and ovarian cancer (PMID: 7894491, 12497638, 24504028, 24728189). This variant is also known as 3867G>T. ClinVar contains an entry for this variant (Variation ID: 17672). For these reasons, this variant has been classified as Pathogenic.

ARUP Laboratories, Molecular Genetics and Genomics, ARUP Laboratories
Classification: Pathogenic. Last evaluated: 2025-06-18. Review status: criteria provided, single submitter. Criteria: ARUP Molecular Germline Variant Investigation Process 2024. Collection method: clinical testing. Allele origin: germline. Not counted in ClinVar's aggregate classification.
Comment: The BRCA1 c.3748G>T; p.Glu1250Ter variant (rs28897686) is reported in the literature in numerous individuals affected with breast and/or ovarian cancer or referred for HBOC genetic testing (Ahmad 2012, Bayraktar 2012, Castilla 1994, Cunningham 2014, Susswein 2016, Swisher 2008, Trujillano 2015, Weren 2017). This variant is found on only two chromosomes in the Genome Aggregation Database, indicating it is not a common polymorphism. This variant induces an early termination codon and is predicted to result in a truncated protein or mRNA subject to nonsense-mediated decay. Based on available information, this variant is considered to be pathogenic. References: Ahmad J et al. Detection of BRCA1/2 mutations in breast cancer patients from Thailand and Pakistan. Clin Genet. 2012 Dec;82(6):594-8. Bayraktar S et al. Predictive factors for BRCA1/BRCA2 mutations in women with ductal carcinoma in situ. Cancer. 2012 Mar 15;118(6):1515-22. Castilla LH et al. Mutations in the BRCA1 gene in families with early-onset breast and ovarian cancer. Nat Genet. 1994 Dec;8(4):387-91. Cunningham JM et al. Clinical characteristics of ovarian cancer classified by BRCA1, BRCA2, and RAD51C status. Sci Rep. 2014 Feb 7;4:4026. Susswein LR et al. Pathogenic and likely pathogenic variant prevalence among the first 10,000 patients referred for next-generation cancer panel testing. Genet Med. 2016 Aug;18(8):823-32. Swisher EM et al. Secondary BRCA1 mutations in BRCA1-mutated ovarian carcinomas with platinum resistance. Cancer Res. 2008 Apr 15;68(8):2581-6. Trujillano D et al. Next-generation sequencing of the BRCA1 and BRCA2 genes for the genetic diagnostics of hereditary breast and/or ovarian cancer. J Mol Diagn. 2015 Mar;17(2):162-70. Weren RD et al. Novel BRCA1 and BRCA2 Tumor Test as Basis for Treatment Decisions and Referral for Genetic Counselling of Patients with Ovarian Carcinomas. Hum Mutat. 2017 Feb;38(2):226-235.

Color Diagnostics, LLC DBA Color Health
Classification: Pathogenic for Hereditary cancer-predisposing syndrome. Last evaluated: 2025-04-14. Review status: criteria provided, single submitter. Criteria: ACMG Guidelines, 2015. Collection method: clinical testing. Allele origin: germline. Not counted in ClinVar's aggregate classification.
Comment: This variant changes 1 nucleotide in exon 10 of the BRCA1 gene, creating a premature translation stop signal. This variant is expected to result in an absent or non-functional protein product. This variant has been observed in multiple individuals and families affected with breast and ovarian cancer (PMID: 7894491, 12497638, 18413725, 20104584, 21120943, 22469508, 22486713, 24504028, 26681312, 26845104, 27062684, 27767231; DOI: 10.21203/rs.3.rs-591403/v1, 10.21203/rs.3.rs-122156/v1) and also colon and stomach cancer and low-grade glioma (PMID: 26689913, 26681312). This variant has been identified in 80 families among the CIMBA participants (PMID: 29446198) and in a breast cancer case-control meta-analysis in 4/60466 cases and 0/53461 unaffected individuals (PMID: 33471991; Leiden Open Variation Database DB-ID BRCA1_001240). This variant has been identified in 2/251234 chromosomes in the general population by the Genome Aggregation Database (gnomAD). Loss of BRCA1 function is a known mechanism of disease. Based on the available evidence, this variant is classified as Pathogenic.

Ambry Genetics
Classification: Pathogenic for Hereditary cancer-predisposing syndrome. Last evaluated: 2025-03-13. Review status: criteria provided, single submitter. Criteria: Ambry Variant Classification Scheme 2023. Collection method: clinical testing. Allele origin: germline. Not counted in ClinVar's aggregate classification.
Comment: The p.E1250* pathogenic mutation (also known as c.3748G>T), located in coding exon 9 of the BRCA1 gene, results from a G to T substitution at nucleotide position 3748. This changes the amino acid from a glutamic acid to a stop codon within coding exon 9. This mutation has been identified in multiple individuals with hereditary breast and ovarian cancer (HBOC) syndrome (Castilla L et al. Nat. Genet. 1994 Dec;8:387-91; Valarmathi MT et al. Hum Mutat, 2003 Jan;21:98-9; van der Hout AH et al. Hum Mutat, 2006 Jul;27:654-66; Swisher EM et al. Cancer Res, 2008 Apr;68:2581-6; Borg A et al. Hum Mutat, 2010 Mar;31:E1200-40; Ahmad J et al. Clin. Genet. 2012 Dec;82:594-8; Song H et al. Hum Mol Genet, 2014 Sep;23:4703-9; Shirts BH et al. Genet Med, 2016 10;18:974-81; Weren RD et al. Hum. Mutat. 2017 Feb;38:226-235; Manchana T et al. World J Clin Oncol, 2019 Nov;10:358-368; Lecarpentier J et al. Breast Cancer Res, 2012 Jul;14:R99). Of note, this alteration is also designated as 3867G>T in published literature. In addition to the clinical data presented in the literature, this alteration is expected to result in loss of function by premature protein truncation or nonsense-mediated mRNA decay. As such, this alteration is interpreted as a disease-causing mutation.

All of Us Research Program, National Institutes of Health
Classification: Pathogenic for BRCA1-related cancer predisposition. Last evaluated: 2024-07-29. Review status: criteria provided, single submitter. Criteria: ACMG Guidelines, 2015. Collection method: clinical testing. Allele origin: germline. Inheritance: Autosomal dominant inheritance. Observed: 7 variant alleles, 7 heterozygotes. Not counted in ClinVar's aggregate classification.
Comment: This variant changes 1 nucleotide in exon 10 of the BRCA1 gene, creating a premature translation stop signal. This variant is expected to result in an absent or non-functional protein product. This variant has been observed in multiple individuals and families affected with breast and ovarian cancer (PMID: 7894491, 12497638, 18413725, 20104584, 21120943, 22469508, 22486713, 24504028, 26681312, 26845104, 27062684, 27767231; DOI: 10.21203/rs.3.rs-591403/v1, 10.21203/rs.3.rs-122156/v1) and also colon and stomach cancer and low-grade glioma (PMID: 26689913, 26681312). This variant has been identified in 80 families among the CIMBA participants (PMID: 29446198) and in a breast cancer case-control meta-analysis in 4/60466 cases and 0/53461 unaffected individuals (PMID: 33471991; Leiden Open Variation Database DB-ID BRCA1_001240). This variant has been identified in 2/251234 chromosomes in the general population by the Genome Aggregation Database (gnomAD). Loss of BRCA1 function is a known mechanism of disease. Based on the available evidence, this variant is classified as Pathogenic.

This study involves interpretation of variants in research participants for the purpose of population health screening. Participant phenotype was not available at the time of variant classification. Additional details can be found in publication PMID: 35346344, PMCID: PMC8962531

NM_007294.4(BRCA1):c.3748G>T (p.Glu1250Ter)

Genes: BRCA1 (BRCA1 DNA repair associated; minus strand), LOC126862571 (BRD4-independent group 4 enhancer GRCh37_chr17:41243136-41244335; plus strand). Cytogenetic location: 17q21.31.
Variant type: single nucleotide variant.
Coding change: c.3748G>T on transcript NM_007294.4 (MANE Select); coding-DNA position 3748, G replaced by T.
Protein change: p.Glu1250Ter; replaces glutamic acid 1250 with a stop codon.
Molecular consequence: nonsense. On other transcripts: intron variant (135).
Genome position (GRCh38, 1-based): chr17:43,091,783, C>A on the plus strand (G>T on the coding strand, the complement: BRCA1 is on the minus strand). VCF-style: chr17-43091783-C-A. GRCh37 (hg19) VCF-style: chr17-41243800-C-A.
Other names: p.E1250*:GAG>TAG; 3867G>T; c.3535G>T, p.Glu1179Ter (NM_001407571.1, NM_001407853.1, NM_001407894.1 and 9 more transcripts); c.3748G>T, p.Glu1250Ter (NM_001407581.1, NM_001407582.1, NM_001407583.1 and 30 more transcripts); c.3745G>T, p.Glu1249Ter (NM_001407587.1, NM_001407590.1, NM_001407591.1 and 22 more transcripts); c.3739G>T, p.Glu1247Ter (NM_001407646.1, NM_001407647.1); c.3625G>T, p.Glu1209Ter (NM_001407648.1, NM_001407664.1, NM_001407665.1 and 19 more transcripts); c.3622G>T, p.Glu1208Ter (NM_001407649.1, NM_001407670.1, NM_001407671.1 and 11 more transcripts); and 43 more; short protein forms E1250*, E1203*, E1123*, E1138*, E1161*, E1208*, E1223*, E954*.
Identifiers: ClinVar variation 17672 (VCV000017672.65), dbSNP rs28897686, ClinGen allele CA002402.